The following is an entry in ClinVar:

ClinVar aggregate classification (germline): Pathogenic. Review status: reviewed by expert panel (3 of 4 stars). 13 submissions from 12 submitters: Pathogenic (1). 12 of the submissions do not count toward it. Last evaluated 2026-10-30.

Conditions:
RPGR-related disorder. Also called: RPGR-related condition.
Retinitis pigmentosa 3. Also called: CHOROIDORETINAL DEGENERATION WITH RETINAL REFLEX IN HETEROZYGOUS WOMEN. Identifiers: Orphanet 791, MedGen C1845667, MONDO:0010227, OMIM 300029.
Retinitis pigmentosa, X-linked, and sinorespiratory infections, with or without deafness (RPSRDF). Identifiers: Orphanet 247522, MedGen C2749137, OMIM 300455.
X-linked cone-rod dystrophy 1 (CORDX1). Identifiers: Orphanet 1872, MedGen C1844776, MONDO:0010566, OMIM 304020.
Macular degeneration, X-linked atrophic. Identifiers: Orphanet 1872, MedGen C3151784, MONDO:0010443, OMIM 300834.
Primary ciliary dyskinesia. Also called: Ciliary dyskinesia. Identifiers: Orphanet 244, MedGen C0008780, MONDO:0016575, HP:0012265.
Retinitis pigmentosa (RP). Identifiers: Orphanet 791, MedGen C0035334, MeSH D012174, MONDO:0019200, OMIM 268000. Inheritance: Autosomal dominant, autosomal recessive and X linked inheritance.
Retinal dystrophy. Also called: Inherited retinal dystrophy. Identifiers: Orphanet 71862, MedGen C0854723, MeSH D058499, MONDO:0019118, HP:0000556.
RPGR-related retinopathy. Also called: RPGR retinopathy. Identifiers: MedGen CN305589, MONDO:0100437.

Submissions (13):

ClinGen X-linked Inherited Retinal Disease Variant Curation Expert Panel, ClinGen
Classification: Pathogenic for RPGR-related retinopathy. Last evaluated: 2026-10-30. Review status: reviewed by expert panel. Criteria: ClinGen X LinkedIRD ACMG Specifications RPGR V1.0.0. Collection method: curation. Allele origin: germline. Inheritance: X-linked inheritance.
Comment: NM_001034853.2(RPGR):c.2384del (p.Glu795GlyfsTer20) is a frameshift variant due to the deletion of 1 nucleotide and introduces a premature stop codon after 20 amino acids within exon 15 of 15, which causes a truncated protein, disrupting a critical C-terminal region required for proper glutamylation of RPGR (PVS1, PMID: 36445968). This variant is absent from hemizygous individuals in gnomAD v4.1.2 (PM2_Supporting). The variant has been reported to segregate with retinal dystrophy through at least 3 affected meioses from 1 family (PP1_moderate; PMID: 12387791). At least one proband harboring this variant exhibits a phenotype including family history consistent with X-linked inheritance (2 pts), early onset (1 pt), visual field constriction (0.5 pts), reduced visual acuity (0.5 pts), night blindness (0.5 pts), bone spicule pigmentation (0.5 pts), and milder phenotype in affected female family members (1 pt), which together are specific for RPGR-related retinopathy (6 points, PMID: 12387791, PP4). This variant has been reported in at least 1 proband meeting one of the PS4 requirements of a male with some functional vision impairment by age 30 years and/or decreased or absent electroretinogram responses, or a female with functional visual abnormality and documentation of a male relative affected with retinitis pigmentosa, as well as a second apparently unrelated proband previously used for the PP4 code (PMID: 34745198, PS4_Supporting). In summary, this variant is classified as Pathogenic for RPGR-related retinopathy based on the ClinGen X-linked Inherited Retinal Disease Expert Panel Specifications to the ACMG/AMP Variant Interpretation Guidelines for RPGR Version 1.0.0: PVS1, PM2_Supporting, PP4, and PS4_Supporting.

PreventionGenetics, part of Exact Sciences
Classification: Pathogenic for RPGR-related condition. Last evaluated: 2026-08-19. Review status: criteria provided, single submitter. Criteria: ACMG Guidelines, 2015. Collection method: clinical testing. Allele origin: germline. Not counted in ClinVar's aggregate classification.
Comment: The RPGR c.2384delA variant is predicted to result in a frameshift and premature protein termination (p.Glu795Glyfs*20). This variant can also be designated g.ORF15+632del. This variant has been reported in individuals with retinitis pigmentosa (Breuer et al. 2002. PubMed ID: 11992260; Bellingrath et al. 2017. PubMed ID: 28863407; Table S3, Tuupanen et al. 2022. PubMed ID: 34985506). This variant is not present in a large population database (gnomAD), indicating this variant is rare. Frameshift variants in RPGR have been well-documented to cause X-linked retinitis pigmentosa (Carss et al. 2017. PubMed ID: 28041643; Martin-Merida et al. 2019. PubMed ID: 30902645). We interpret this variant as pathogenic.

CeGaT Center for Human Genetics Tuebingen
Classification: Pathogenic. Last evaluated: 2026-06-01. Review status: criteria provided, single submitter. Criteria: CeGaT Center For Human Genetics Tuebingen Variant Classification Criteria Version 2. Collection method: clinical testing. Allele origin: germline. Affected: yes. Observed: 1 variant allele. Not counted in ClinVar's aggregate classification.
Comment: RPGR: PVS1, PM2

Labcorp Genetics (formerly Invitae), Labcorp
Classification: Pathogenic for Primary ciliary dyskinesia. Last evaluated: 2025-01-18. Review status: criteria provided, single submitter. Criteria: Invitae Variant Classification Sherloc (09022015). Collection method: clinical testing. Allele origin: germline. Not counted in ClinVar's aggregate classification.
Comment: This sequence change creates a premature translational stop signal (p.Glu795Glyfs*20) in the RPGR (ORF15) gene. While this is not anticipated to result in nonsense mediated decay, it is expected to disrupt the last 358 amino acid(s) of the RPGR (ORF15) protein. This variant is not present in population databases (gnomAD no frequency). This premature translational stop signal has been observed in individual(s) with retinitis pigmentosa (PMID: 11992260). This variant is also known as 632del, Glu212fsTer231. ClinVar contains an entry for this variant (Variation ID: 560500). This variant disrupts a region of the RPGR (ORF15) protein in which other variant(s) (p.Leu1130Lysfs*13) have been determined to be pathogenic (PMID: 22264887; internal data). This suggests that this is a clinically significant region of the protein, and that variants that disrupt it are likely to be disease-causing. For these reasons, this variant has been classified as Pathogenic.

GeneDx
Classification: Pathogenic. Last evaluated: 2024-02-16. Review status: criteria provided, single submitter. Criteria: GeneDx Variant Classification Process June 2021. Collection method: clinical testing. Allele origin: germline. Affected: yes. Not counted in ClinVar's aggregate classification.
Comment: Frameshift variant predicted to result in protein truncation, as the last 358 amino acids are replaced with 19 different amino acids, and other loss-of-function variants have been reported downstream in the Human Gene Mutation Database (HGMD); Not observed at significant frequency in large population cohorts (gnomAD); This variant is associated with the following publications: (PMID: 34985506, 28863407, 12402343, 23150612, 11992260, 38219857)

3billion
Classification: Pathogenic for Retinitis pigmentosa 3. Last evaluated: 2023-12-11. Review status: criteria provided, single submitter. Criteria: ACMG Guidelines, 2015. Collection method: clinical testing. Allele origin: germline. Affected: yes. Not counted in ClinVar's aggregate classification.
Comment: The variant is not observed in the gnomAD v2.1.1 dataset. Predicted Consequence/Location: Frameshift: predicted to result in a loss or disruption of normal protein function through protein truncation. The predicted truncated protein may be shortened by more than 10%. The variant has been observed in at least two similarly affected unrelated individuals (PMID: 11992260 /3billion dataset). The variant has been reported at least twice as pathogenic without evidence for the classification (ClinVar ID: VCV000560500 /3billion dataset). Therefore, this variant is classified as Pathogenic according to the recommendation of ACMG/AMP guideline.

Dept Of Ophthalmology, Nagoya University
Classification: Likely pathogenic for Retinal dystrophy. Last evaluated: 2023-10-01. Review status: criteria provided, single submitter. Criteria: Submitter's publication. Collection method: research. Allele origin: germline. Affected: yes. Not counted in ClinVar's aggregate classification.

Blueprint Genetics
Classification: Pathogenic for Retinal dystrophy. Last evaluated: 2019-02-05. Review status: criteria provided, single submitter. Criteria: Blueprint Genetics Variant Classification Scheme. Collection method: clinical testing. Allele origin: germline. Affected: yes. Not counted in ClinVar's aggregate classification.

Molecular Diagnostics Laboratory, M Health Fairview: University of Minnesota
Classification: Likely pathogenic for Retinitis pigmentosa. Last evaluated: 2018-05-04. Review status: criteria provided, single submitter. Criteria: ACMG Guidelines, 2015. Collection method: clinical testing. Allele origin: germline. Affected: yes. Observed: 1 variant allele. Not counted in ClinVar's aggregate classification.

Institute of Human Genetics, Univ. Regensburg, Univ. Regensburg
Classification: Pathogenic for Retinal dystrophy. Last evaluated: 2017-01-01. Review status: criteria provided, single submitter. Criteria: ACMG Guidelines, 2015. Collection method: clinical testing. Allele origin: germline. Affected: yes. Not counted in ClinVar's aggregate classification.

Juno Genomics, Hangzhou Juno Genomics, Inc
Classification: Pathogenic for X-linked cone-rod dystrophy 1; Macular degeneration, X-linked atrophic; Retinitis pigmentosa 3; Retinitis pigmentosa, X-linked, and sinorespiratory infections, with or without deafness. Review status: criteria provided, single submitter. Criteria: ACMG Guidelines, 2015. Collection method: clinical testing. Allele origin: germline. Affected: yes. Not counted in ClinVar's aggregate classification.
Comment: Null variant in a gene where loss of function (LOF) is a known mechanism of disease.;Absent from controls (or at extremely low frequency if recessive) in Genome Aggregation Database.;The prevalence of the variant in affected individuals is significantly increased compared to the prevalence in controls.

Joint Genome Diagnostic Labs from Nijmegen and Maastricht, Radboudumc and MUMC+
Classification: Pathogenic for Retinitis pigmentosa 3. Last evaluated: 2016-09-01. Review status: no assertion criteria provided. Collection method: clinical testing. Allele origin: unknown. Affected: yes. Observed: 1 variant allele. Not counted in ClinVar's aggregate classification.

Blueprint Genetics
Classification: Pathogenic for Retinitis pigmentosa 3. Review status: no assertion criteria provided. Collection method: clinical testing. Allele origin: germline. Affected: yes. Not counted in ClinVar's aggregate classification.

Literature cited by the submitters: PubMed 11992260 (cited by 4 submitters); PubMed 22264887 (cited by Labcorp Genetics (formerly Invitae), Labcorp); PubMed 10932196 (cited by Molecular Diagnostics Laboratory, M Health Fairview: University of Minnesota); PubMed 28863407 (cited by Institute of Human Genetics, Univ. Regensburg, Univ. Regensburg); PubMed 34985506 (cited by Institute of Human Genetics, Univ. Regensburg, Univ. Regensburg).

NM_001034853.2(RPGR):c.2384del (p.Glu795fs)

Gene: RPGR (retinitis pigmentosa GTPase regulator; minus strand). Cytogenetic location: Xp11.4.
Variant type: Deletion.
Coding change: c.2384del on transcript NM_001034853.2 (MANE Select); coding-DNA position 2384, one base deleted (A; older notation c.2384delA).
Protein change: p.Glu795fs; shifts the reading frame from glutamic acid 795.
Molecular consequence: frameshift variant. On other transcripts: intron variant (8).
Genome position (GRCh38, 1-based): chrX:38,286,615, T deleted on the plus strand (A on the coding strand, the reverse complement: RPGR is on the minus strand). VCF-style (leftmost placement, unchanged base first): chrX-38286614-CT-C. GRCh37 (hg19) VCF-style: chrX-38145867-CT-C.
Other names: c.1569+4344del (NM_001367249.1, NM_001367250.1); c.1902+479del (NM_001367245.1); c.1386+4344del (NM_001367251.1); c.1719+479del (NM_001367246.1); c.1572+4344del (NM_001367247.1); c.1905+479del (NM_000328.3); c.1602+4344del (NM_001367248.1); c.2384delA (NM_001034853.2); short protein forms E795fs.
Identifiers: ClinVar variation 560500 (VCV000560500.20), dbSNP rs1569237206, ClinGen allele CA658824859.
Genomic context (GRCh38, chrX:38,286,614, plus strand): 5'-CTCTACTTCCCCTCCCTCCTCTTTTTCCTCCCCTCTCCCCTCTGTTTCCTCCTCTTCCCC[CT>C]CTCCTTGGTCTCCTTCTTCCTCTCCTTTCTCCTCCTTCCCCGCTCTTTCCTCCTTTTTCC-3'